The following is an entry in ClinVar:

ClinVar aggregate classification (germline): Uncertain significance (1 of 4 stars; one submission).

Allele frequency attached by ClinVar (database versions not stated): TOPMed below 0.00001; gnomAD 0.00001; gnomAD exomes 0.00001.

Submission:

GeneDx
Classification: Uncertain significance. Last evaluated: 2026-02-04. Review status: criteria provided, single submitter. Criteria: GeneDx Variant Classification Process June 2021. Collection method: clinical testing. Allele origin: germline. Affected: yes.
Comment: Not observed at significant frequency in large population cohorts (gnomAD); In silico analysis supports that this missense variant has a deleterious effect on protein structure/function; Has not been previously published as pathogenic or benign to our knowledge

NM_001378974.1(FBXW11):c.1508C>T (p.Thr503Ile)

Gene: FBXW11 (F-box and WD repeat domain containing 11; minus strand). Cytogenetic location: 5q35.1.
Variant type: single nucleotide variant.
Coding change: c.1508C>T on transcript NM_001378974.1 (MANE Select); coding-DNA position 1508, C replaced by T.
Protein change: p.Thr503Ile; replaces threonine 503 with isoleucine.
Molecular consequence: missense variant.
Genome position (GRCh38, 1-based): chr5:171,869,751, G>A on the plus strand (C>T on the coding strand, the complement: FBXW11 is on the minus strand). VCF-style: chr5-171869751-G-A. GRCh37 (hg19) VCF-style: chr5-171296755-G-A.
Other names: c.1439C>T, p.Thr480Ile (NM_001378975.1); c.1412C>T, p.Thr471Ile (NM_001378976.1); c.1349C>T, p.Thr450Ile (NM_001378977.1, NM_001378978.1, NM_001378979.1); c.1343C>T, p.Thr448Ile (NM_001378980.1, NM_033645.3); c.1445C>T, p.Thr482Ile (NM_012300.3); c.1406C>T, p.Thr469Ile (NM_033644.3); short protein forms T448I, T450I, T469I, T471I, T480I, T482I, T503I.
Identifiers: ClinVar variation 1700757 (VCV001700757.3), dbSNP rs1443654046, ClinGen allele CA362212723.